The following is an entry in ClinVar:

NM_000038.6(APC):c.7645C>T (p.Arg2549Cys)

Gene: APC (APC regulator of Wnt signaling pathway; plus strand). Cytogenetic location: 5q22.2.
Variant type: single nucleotide variant.
Coding change: c.7645C>T on transcript NM_000038.6 (MANE Select); coding-DNA position 7645, C replaced by T.
Protein change: p.Arg2549Cys; replaces arginine 2549 with cysteine.
Molecular consequence: missense variant.
Genome position (GRCh38, 1-based): chr5:112,843,239, C>T. VCF-style: chr5-112843239-C-T. GRCh37 (hg19) VCF-style: chr5-112178936-C-T.
Other names: c.7645C>T, p.Arg2549Cys (NM_001127510.3, NM_001354895.2); c.7591C>T, p.Arg2531Cys (NM_001127511.3); c.7699C>T, p.Arg2567Cys (NM_001354896.2); c.7675C>T, p.Arg2559Cys (NM_001354897.2); c.7570C>T, p.Arg2524Cys (NM_001354898.2); c.7561C>T, p.Arg2521Cys (NM_001354899.2); c.7522C>T, p.Arg2508Cys (NM_001354900.2); c.7468C>T, p.Arg2490Cys (NM_001354901.2); and 5 more; short protein forms R2531C, R2549C, R2490C, R2266C, R2458C, R2389C, R2521C, R2524C.
Identifiers: ClinVar variation 245740 (VCV000245740.35), dbSNP rs199539353, ClinGen allele CA048806.

ClinVar aggregate classification (germline): Benign/Likely benign. Review status: criteria provided, multiple submitters, no conflicts (2 of 4 stars). 13 submissions from 13 submitters: Benign (3); Likely benign (10). Last evaluated 2026-04-30.

Conditions:
Classic or attenuated familial adenomatous polyposis. Identifiers: MedGen CN372698, MONDO:0021057.
APC-related disorder. Also called: APC-related condition.
Hereditary cancer-predisposing syndrome. Also called: Neoplastic Syndromes, Hereditary; Hereditary neoplastic syndrome; Hereditary Cancer Syndrome; Tumor predisposition. Identifiers: Orphanet 140162, MedGen C0027672, MeSH D009386, MONDO:0015356.
Familial adenomatous polyposis 1 (FAP1). Also called: POLYPOSIS, ADENOMATOUS INTESTINAL; FAMILIAL ADENOMATOUS POLYPOSIS 1, ATTENUATED. Identifiers: MedGen C2713442, MONDO:0021056, OMIM 175100. Disease mechanism: loss of function.

Allele frequency attached by ClinVar (database versions not stated): gnomAD 0.00001 and 0.00006; TOPMed 0.00002; gnomAD exomes 0.00008 and 0.00018; ExAC 0.00016; 1000 Genomes Project 30x 0.00047; 1000 Genomes Project 0.00060.
gnomAD v4.1: 135 of 1,613,772 alleles (0.0084%); highest among the groups gnomAD compares: South Asian, 0.13%; 1 homozygote.

Submissions (13):

Dasa
Classification: Benign. Last evaluated: 2026-04-30. Review status: criteria provided, single submitter. Criteria: DASA Assertion Criteria. Collection method: clinical testing. Allele origin: germline.
Comment: NM_000038.6(APC):c.7645C>T (p.Arg2549Cys) is interpreted as benign based on a combination of available evidence, which may include population frequency, observations in unaffected individuals, intact protein function, lack of segregation with disease, in silico models, amino acid conservation, lack of disease association in case-control studies, and/or inconsistency with the known disease mechanism or impacted region. Based on the available data, this variant is classified as benign.

Labcorp Genetics (formerly Invitae), Labcorp
Classification: Likely benign for Familial adenomatous polyposis 1. Last evaluated: 2026-01-31. Review status: criteria provided, single submitter. Criteria: Invitae Variant Classification Sherloc (09022015). Collection method: clinical testing. Allele origin: germline.

Center for Genomic Medicine, Rigshospitalet, Copenhagen University Hospital
Classification: Benign. Last evaluated: 2025-12-29. Review status: criteria provided, single submitter. Criteria: ACMG Guidelines, 2015. Collection method: clinical testing. Allele origin: germline.
Comment: Classification criteria: BA1, BP1

PreventionGenetics, part of Exact Sciences
Classification: Likely benign for APC-related condition. Last evaluated: 2025-11-12. Review status: criteria provided, single submitter. Criteria: ACMG Guidelines, 2015. Collection method: clinical testing. Allele origin: germline.
Comment: This variant is classified as likely benign based on ACMG/AMP sequence variant interpretation guidelines (Richards et al. 2015 PMID: 25741868, with internal and published modifications).

Mayo Clinic Laboratories, Mayo Clinic
Classification: Benign. Last evaluated: 2025-06-25. Review status: criteria provided, single submitter. Criteria: ACMG Guidelines, 2015. Collection method: clinical testing. Allele origin: germline. Observed: 1 variant allele.
Comment: BA1

Women's Health and Genetics/Laboratory Corporation of America, LabCorp
Classification: Likely benign. Last evaluated: 2024-08-17. Review status: criteria provided, single submitter. Criteria: LabCorp Variant Classification Summary - May 2015. Collection method: clinical testing. Allele origin: germline.

Myriad Genetics, Inc.
Classification: Likely benign for Familial adenomatous polyposis 1. Last evaluated: 2024-04-10. Review status: criteria provided, single submitter. Criteria: Myriad Autosomal Dominant, Autosomal Recessive and X-Linked Classification Criteria (2023). Collection method: clinical testing. Allele origin: unknown.
Comment: This variant is considered likely benign. This variant has been observed at a population frequency that is significantly greater than expected given the associated disease prevalence and penetrance.

Quest Diagnostics Nichols Institute San Juan Capistrano
Classification: Likely benign. Last evaluated: 2023-05-11. Review status: criteria provided, single submitter. Criteria: Quest Diagnostics criteria. Collection method: clinical testing. Allele origin: unknown.

Department of Pathology and Laboratory Medicine, Sinai Health System
Classification: Likely benign for classic or attenuated familial adenomatous polyposis. Last evaluated: 2022-09-21. Review status: criteria provided, single submitter. Criteria: ACMG Guidelines, 2015. Collection method: clinical testing. Allele origin: germline. Affected: yes.

Color Diagnostics, LLC DBA Color Health
Classification: Likely benign for Hereditary cancer-predisposing syndrome. Last evaluated: 2022-05-10. Review status: criteria provided, single submitter. Criteria: ACMG Guidelines, 2015. Collection method: clinical testing. Allele origin: germline.

Sema4
Classification: Likely benign for Hereditary cancer-predisposing syndrome. Last evaluated: 2021-02-20. Review status: criteria provided, single submitter. Criteria: Sema4 Curation Guidelines. Collection method: curation. Allele origin: germline.

Ambry Genetics
Classification: Likely benign for Hereditary cancer-predisposing syndrome. Last evaluated: 2020-01-07. Review status: criteria provided, single submitter. Criteria: Ambry Variant Classification Scheme 2023. Collection method: clinical testing. Allele origin: germline.

GeneDx
Classification: Likely benign. Last evaluated: 2019-05-09. Review status: criteria provided, single submitter. Criteria: GeneDx Variant Classification Process June 2021. Collection method: clinical testing. Allele origin: germline. Affected: yes.
Comment: This variant is associated with the following publications: (PMID: 32369273, 28726808, 26832770)

Literature cited by the submitters: PubMed 32369273 (cited by Quest Diagnostics Nichols Institute San Juan Capistrano); PubMed 28726808 (cited by 3 submitters); PubMed 27806309 (cited by Quest Diagnostics Nichols Institute San Juan Capistrano); PubMed 30680046 (cited by 3 submitters).